The following is an entry in ClinVar:

ClinVar aggregate classification (germline): Likely pathogenic (1 of 4 stars; one submission).

Submission:

Labcorp Genetics (formerly Invitae), Labcorp
Classification: Likely pathogenic. Last evaluated: 2023-01-22. Review status: criteria provided, single submitter. Criteria: Invitae Variant Classification Sherloc (09022015). Collection method: clinical testing. Allele origin: germline.
Comment: This sequence change replaces cysteine, which is neutral and slightly polar, with arginine, which is basic and polar, at codon 145 of the WISP3 protein (p.Cys145Arg). This variant is not present in population databases (gnomAD no frequency). This missense change has been observed in individuals with progressive pseudorheumatoid dysplasia (PMID: 22987568, 25988854). Advanced modeling of protein sequence and biophysical properties (such as structural, functional, and spatial information, amino acid conservation, physicochemical variation, residue mobility, and thermodynamic stability) performed at Invitae indicates that this missense variant is expected to disrupt WISP3 protein function. In summary, the currently available evidence indicates that the variant is pathogenic, but additional data are needed to prove that conclusively. Therefore, this variant has been classified as Likely Pathogenic.

Literature cited by the submitters: PubMed 22987568; PubMed 25988854.

NM_198239.2(CCN6):c.433T>C (p.Cys145Arg)

Gene: CCN6 (cellular communication network factor 6; plus strand). Cytogenetic location: 6q21.
Variant type: single nucleotide variant.
Coding change: c.433T>C on transcript NM_198239.2 (MANE Select); coding-DNA position 433, T replaced by C.
Protein change: p.Cys145Arg; replaces cysteine 145 with arginine.
Molecular consequence: missense variant. On other transcripts: non-coding transcript variant (2).
Genome position (GRCh38, 1-based): chr6:112,064,841, T>C. VCF-style: chr6-112064841-T-C. GRCh37 (hg19) VCF-style: chr6-112386044-T-C.
Other names: c.433T>C, p.Cys145Arg (NM_003880.4); short protein forms C145R.
Identifiers: ClinVar variation 2734929 (VCV002734929.3), dbSNP rs1776631188, ClinGen allele CA365371575.